The following is an entry in ClinVar:

ClinVar aggregate classification (germline): Uncertain significance (1 of 4 stars; one submission).

Conditions:
Proline dehydrogenase deficiency (HYRPRO1). Also called: Hyperprolinemia type 1; PROLINE OXIDASE DEFICIENCY. Identifiers: Orphanet 419, MedGen C0268529, MONDO:0009400, OMIM 239500.

Submission:

Labcorp Genetics (formerly Invitae), Labcorp
Classification: Uncertain significance for Proline dehydrogenase deficiency. Last evaluated: 2022-08-24. Review status: criteria provided, single submitter. Criteria: Invitae Variant Classification Sherloc (09022015). Collection method: clinical testing. Allele origin: germline.
Comment: In summary, the available evidence is currently insufficient to determine the role of this variant in disease. Therefore, it has been classified as a Variant of Uncertain Significance. Algorithms developed to predict the effect of missense changes on protein structure and function are either unavailable or do not agree on the potential impact of this missense change (SIFT: "Deleterious"; PolyPhen-2: "Probably Damaging"; Align-GVGD: "Class C0"). This variant has not been reported in the literature in individuals affected with PRODH-related conditions. This variant is not present in population databases (gnomAD no frequency). This sequence change replaces phenylalanine, which is neutral and non-polar, with serine, which is neutral and polar, at codon 117 of the PRODH protein (p.Phe117Ser).

NM_016335.6(PRODH):c.350T>C (p.Phe117Ser)

Gene: PRODH (proline dehydrogenase 1; minus strand). Cytogenetic location: 22q11.21.
Variant type: single nucleotide variant.
Coding change: c.350T>C on transcript NM_016335.6 (MANE Select); coding-DNA position 350, T replaced by C.
Protein change: p.Phe117Ser; replaces phenylalanine 117 with serine.
Molecular consequence: missense variant.
Genome position (GRCh38, 1-based): chr22:18,931,122, A>G on the plus strand (T>C on the coding strand, the complement: PRODH is on the minus strand). VCF-style: chr22-18931122-A-G. GRCh37 (hg19) VCF-style: chr22-18918635-A-G.
Other names: c.26T>C, p.Phe9Ser (NM_001195226.2, NM_001368250.2); short protein forms F9S, F117S.
Identifiers: ClinVar variation 2069815 (VCV002069815.4), dbSNP rs2517460474, ClinGen allele CA410652105.
Genomic context (GRCh38, chr22:18,931,122, plus strand): 5'-CCGAAGGCCCTGTAGTGCCGAAGCAGGGGCTGGATGGACTCCTGGTCCTCCCCGGCTACA[A>G]AATGCCCATAGAAGGTCATCTTCATGAGCTTGTTGAATAGCCTCTGTCCTAGAAGTTTCC-3'
Protein context (NP_057419.5, residues 107-127): KLMKMTFYGH[Phe117Ser]VAGEDQESIQ